The following is an entry in ClinVar:

NM_144991.3(TSPEAR):c.-6C>T

Gene: TSPEAR (thrombospondin type laminin G domain and EAR repeats; minus strand). Cytogenetic location: 21q22.3.
Variant type: single nucleotide variant.
Coding change: c.-6C>T on transcript NM_144991.3 (MANE Select); 6 bases upstream of the start codon, C replaced by T.
Molecular consequence: 5 prime UTR variant.
Genome position (GRCh38, 1-based): chr21:44,711,520, G>A on the plus strand (C>T on the coding strand, the complement: TSPEAR is on the minus strand). VCF-style: chr21-44711520-G-A. GRCh37 (hg19) VCF-style: chr21-46131435-G-A.
Other names: c.-272C>T (NM_001272037.2).
Identifiers: ClinVar variation 3363357 (VCV003363357.1).

ClinVar aggregate classification (germline): Uncertain significance (1 of 4 stars; one submission).

gnomAD v4.1: 3 of 1,609,920 alleles (0.00019%); highest among the groups gnomAD compares: Admixed American, 0.0034%; no homozygotes.

Submission:

GeneDx
Classification: Uncertain significance. Last evaluated: 2023-10-27. Review status: criteria provided, single submitter. Criteria: GeneDx Variant Classification Process June 2021. Collection method: clinical testing. Allele origin: germline. Affected: yes.
Comment: Not observed at significant frequency in large population cohorts (gnomAD); Nucleotide is not conserved across species and the substitution has no predicted effect on splicing; Has not been previously published as pathogenic or benign to our knowledge